The following is an entry in ClinVar:

ClinVar aggregate classification (germline): Uncertain significance (1 of 4 stars; one submission).

Submission:

GeneDx
Classification: Uncertain significance. Last evaluated: 2024-03-01. Review status: criteria provided, single submitter. Criteria: GeneDx Variant Classification Process June 2021. Collection method: clinical testing. Allele origin: germline. Affected: yes.
Comment: Has not been previously published as pathogenic or benign to our knowledge; In silico analysis supports that this missense variant does not alter protein structure/function; Not observed at significant frequency in large population cohorts (gnomAD)

NM_006445.4(PRPF8):c.4954A>C (p.Met1652Leu)

Gene: PRPF8 (pre-mRNA processing factor 8; minus strand). Cytogenetic location: 17p13.3.
Variant type: single nucleotide variant.
Coding change: c.4954A>C on transcript NM_006445.4 (MANE Select); coding-DNA position 4954, A replaced by C.
Protein change: p.Met1652Leu; replaces methionine 1652 with leucine.
Molecular consequence: missense variant.
Genome position (GRCh38, 1-based): chr17:1,659,541, T>G on the plus strand (A>C on the coding strand, the complement: PRPF8 is on the minus strand). VCF-style: chr17-1659541-T-G. GRCh37 (hg19) VCF-style: chr17-1562835-T-G.
Other names: short protein forms M1652L.
Identifiers: ClinVar variation 3362034 (VCV003362034.1).